The following is an entry in ClinVar:

NC_000009.11:g.(?_34489311)_(34520764_?)del

Gene: DNAI1 (dynein axonemal intermediate chain 1; plus strand). Cytogenetic location: 9p13.3.
Variant type: Deletion.
Identifiers: ClinVar variation 1068409 (VCV001068409.15).

ClinVar aggregate classification (germline): Likely pathogenic (1 of 4 stars; one submission).

Conditions:
Primary ciliary dyskinesia. Also called: Ciliary dyskinesia. Identifiers: Orphanet 244, MedGen C0008780, MONDO:0016575, HP:0012265.

Submission:

Labcorp Genetics (formerly Invitae), Labcorp
Classification: Likely pathogenic for Primary ciliary dyskinesia. Last evaluated: 2020-05-20. Review status: criteria provided, single submitter. Criteria: Invitae Variant Classification Sherloc (09022015). Collection method: clinical testing. Allele origin: germline.
Comment: This variant is a gross deletion of the genomic region encompassing exon(s) 5 to 20 of the DNAI1 gene. The 5' boundary is likely confined to intron 4. The 3' end of this event is unknown as it extends through the termination codon beyond the assayed region for this gene and may encompass additional genes. While this deletion is not anticipated to result in nonsense mediated decay, it is expected to create a truncated protein product or disrupt mRNA translation. In summary, the currently available evidence indicates that the variant is pathogenic, but additional data are needed to prove that conclusively. Therefore, this variant has been classified as Likely Pathogenic. This variant disrupts the p.Trp568 amino acid residue in DNAI1. Other variant(s) that disrupt this residue have been determined to be pathogenic (PMID: 11713099, 18434704, Invitae). This suggests that this residue is clinically significant, and that variants that disrupt this residue are likely to be disease-causing. This variant has not been reported in the literature in individuals with DNAI1-related conditions.

Literature cited by the submitters: PubMed 11713099; PubMed 18434704.